The following is an entry in ClinVar:

NM_182943.3(PLOD2):c.1834G>C (p.Gly612Arg)

Gene: PLOD2 (procollagen-lysine,2-oxoglutarate 5-dioxygenase 2; minus strand). Cytogenetic location: 3q24.
Variant type: single nucleotide variant.
Coding change: c.1834G>C on transcript NM_182943.3 (MANE Select); coding-DNA position 1834, G replaced by C.
Protein change: p.Gly612Arg; replaces glycine 612 with arginine.
Molecular consequence: missense variant.
Genome position (GRCh38, 1-based): chr3:146,072,575, C>G on the plus strand (G>C on the coding strand, the complement: PLOD2 is on the minus strand). VCF-style: chr3-146072575-C-G. GRCh37 (hg19) VCF-style: chr3-145790362-C-G.
Other names: c.1771G>C, p.Gly591Arg (NM_000935.3); short protein forms G591R, G612R.
Identifiers: ClinVar variation 1921978 (VCV001921978.5), dbSNP rs767824565, ClinGen allele CA2654763.

ClinVar aggregate classification (germline): Uncertain significance (1 of 4 stars; one submission).

Allele frequency attached by ClinVar (database versions not stated): ExAC 0.00002; gnomAD exomes 0.00002; TOPMed 0.00002.
gnomAD v4.1: 9 of 1,604,094 alleles (0.00056%); highest among the groups gnomAD compares: Admixed American, 0.013%; no homozygotes.

Submission:

Labcorp Genetics (formerly Invitae), Labcorp
Classification: Uncertain significance. Last evaluated: 2024-12-16. Review status: criteria provided, single submitter. Criteria: Invitae Variant Classification Sherloc (09022015). Collection method: clinical testing. Allele origin: germline.
Comment: This sequence change replaces glycine, which is neutral and non-polar, with arginine, which is basic and polar, at codon 612 of the PLOD2 protein (p.Gly612Arg). This variant is present in population databases (rs767824565, gnomAD 0.02%). This variant has not been reported in the literature in individuals affected with PLOD2-related conditions. ClinVar contains an entry for this variant (Variation ID: 1921978). Invitae Evidence Modeling of protein sequence and biophysical properties (such as structural, functional, and spatial information, amino acid conservation, physicochemical variation, residue mobility, and thermodynamic stability) indicates that this missense variant is not expected to disrupt PLOD2 protein function with a negative predictive value of 80%. In summary, the available evidence is currently insufficient to determine the role of this variant in disease. Therefore, it has been classified as a Variant of Uncertain Significance.